The following is an entry in ClinVar:

ClinVar aggregate classification (germline): Uncertain significance (1 of 4 stars; one submission).

Conditions:
Christianson syndrome (MRXSCH). Also called: SLC9A6-Related Syndromic Mental Retardation; X-linked mental retardation, syndromic, Christianson type; INTELLECTUAL DEVELOPMENTAL DISORDER, X-LINKED, SYNDROMIC, CHRISTIANSON TYPE. Identifiers: Orphanet 85278, MedGen C2678194, MONDO:0010278, OMIM 300243.

Allele frequency attached by ClinVar (database versions not stated): ExAC 0.00001.

Submission:

Labcorp Genetics (formerly Invitae), Labcorp
Classification: Uncertain significance for Christianson syndrome. Last evaluated: 2023-12-06. Review status: criteria provided, single submitter. Criteria: Invitae Variant Classification Sherloc (09022015). Collection method: clinical testing. Allele origin: germline.
Comment: This sequence change replaces glycine, which is neutral and non-polar, with arginine, which is basic and polar, at codon 554 of the SLC9A6 protein (p.Gly554Arg). This variant is present in population databases (rs782196157, gnomAD 0.001%). This variant has not been reported in the literature in individuals affected with SLC9A6-related conditions. Advanced modeling of protein sequence and biophysical properties (such as structural, functional, and spatial information, amino acid conservation, physicochemical variation, residue mobility, and thermodynamic stability) performed at Invitae indicates that this missense variant is not expected to disrupt SLC9A6 protein function with a negative predictive value of 80%. In summary, the available evidence is currently insufficient to determine the role of this variant in disease. Therefore, it has been classified as a Variant of Uncertain Significance.

NM_001379110.1(SLC9A6):c.1690G>C (p.Gly564Arg)

Gene: SLC9A6 (solute carrier family 9 member A6; plus strand). Cytogenetic location: Xq26.3.
Variant type: single nucleotide variant.
Coding change: c.1690G>C on transcript NM_001379110.1 (MANE Select); coding-DNA position 1690, G replaced by C.
Protein change: p.Gly564Arg; replaces glycine 564 with arginine.
Molecular consequence: missense variant.
Genome position (GRCh38, 1-based): chrX:136,040,104, G>C. VCF-style: chrX-136040104-G-C. GRCh37 (hg19) VCF-style: chrX-135122263-G-C.
Other names: c.1756G>C, p.Gly586Arg (NM_001042537.2); c.1600G>C, p.Gly534Arg (NM_001177651.2, NM_001400909.1, NM_001400910.1 and 2 more transcripts); c.1504G>C, p.Gly502Arg (NM_001330652.2, NM_001400913.1); c.1660G>C, p.Gly554Arg (NM_006359.3); short protein forms G534R, G502R, G564R, G554R, G586R.
Identifiers: ClinVar variation 2810625 (VCV002810625.3), dbSNP rs782196157, ClinGen allele CA10524855.